The following is an entry in ClinVar:

ClinVar aggregate classification (germline): Pathogenic (1 of 4 stars; one submission).

Allele frequency attached by ClinVar (database versions not stated): gnomAD exomes 0.00001.
gnomAD v4.1: 2 of 1,613,758 alleles (0.00012%); highest among the groups gnomAD compares: Admixed American, 0.0033%; no homozygotes.

Submission:

Labcorp Genetics (formerly Invitae), Labcorp
Classification: Pathogenic. Last evaluated: 2023-07-31. Review status: criteria provided, single submitter. Criteria: Invitae Variant Classification Sherloc (09022015). Collection method: clinical testing. Allele origin: germline.
Comment: This variant is present in population databases (no rsID available, gnomAD 0.006%). This variant has not been reported in the literature in individuals affected with MYO5B-related conditions. ClinVar contains an entry for this variant (Variation ID: 1419232). For these reasons, this variant has been classified as Pathogenic. This sequence change creates a premature translational stop signal (p.Trp1291*) in the MYO5B gene. It is expected to result in an absent or disrupted protein product. Loss-of-function variants in MYO5B are known to be pathogenic (PMID: 18724368, 20186687).

Literature cited by the submitters: PubMed 18724368; PubMed 20186687.

NM_001080467.3(MYO5B):c.3873G>A (p.Trp1291Ter)

Gene: MYO5B (myosin VB; minus strand). Cytogenetic location: 18q21.1.
Variant type: single nucleotide variant.
Coding change: c.3873G>A on transcript NM_001080467.3 (MANE Select); coding-DNA position 3873, G replaced by A.
Protein change: p.Trp1291Ter; replaces tryptophan 1291 with a stop codon.
Molecular consequence: nonsense.
Genome position (GRCh38, 1-based): chr18:49,863,298, C>T on the plus strand (G>A on the coding strand, the complement: MYO5B is on the minus strand). VCF-style: chr18-49863298-C-T. GRCh37 (hg19) VCF-style: chr18-47389668-C-T.
Other names: short protein forms W1291*.
Identifiers: ClinVar variation 1419232 (VCV001419232.6), dbSNP rs1402652492, ClinGen allele CA402427313.
Genomic context (GRCh38, chr18:49,863,298, plus strand): 5'-GCAGACCCCGTGATAGGCCTCAATGGCATCCTCCTGGTCAACATGCTTTTCACTGTTAGG[C>T]CAACTTGATCTGGCATTAATGTTCGGCTCCTAGAAAGCCCCAGATAAAAAAATAACTCTG-3'